The following is an entry in ClinVar:

NM_000053.4(ATP7B):c.19_20del (p.Gln7fs)

Gene: ATP7B (ATPase copper transporting beta; minus strand). Cytogenetic location: 13q14.3.
Variant type: Deletion.
Coding change: c.19_20del on transcript NM_000053.4 (MANE Select); coding-DNA positions 19 to 20, 2 bases deleted (CA; older notation c.19_20delCA).
Protein change: p.Gln7fs; shifts the reading frame from glutamine 7.
Molecular consequence: frameshift variant.
Genome position (GRCh38, 1-based): chr13:52,011,318-52,011,319, TG deleted on the plus strand (CA on the coding strand, the reverse complement: ATP7B is on the minus strand); deleting any 2 consecutive bases within chr13:52,011,318-52,011,320 gives the same sequence; the c. name uses the placement nearest the transcript's 3' end. VCF-style (leftmost placement, unchanged base first): chr13-52011317-CTG-C. GRCh37 (hg19) VCF-style: chr13-52585453-CTG-C.
Other names: c.19_20del (NM_000053.3); c.19_20del, p.Gln7fs (NM_001005918.3, NM_001243182.2, NM_001330578.2 and 1 more transcripts); c.19_20delCA (NM_000053.4); short protein forms Q7fs.
Identifiers: ClinVar variation 419611 (VCV000419611.84), dbSNP rs749363958, ClinGen allele CA6989716.

ClinVar aggregate classification (germline): Conflicting classifications of pathogenicity. Review status: criteria provided, conflicting classifications (1 of 4 stars). 17 submissions from 17 submitters: Pathogenic (4); Likely pathogenic (3); Uncertain significance (9). 1 of the submissions does not count toward it. Last evaluated 2026-04-22.

Conditions:
Wilson disease (WND). Also called: Wilson's disease. Identifiers: Orphanet 905, MedGen C0019202, MONDO:0010200, OMIM 277900. Disease mechanism: loss of function.
ATP7B-related disorder. Also called: ATP7B-related condition.

Submissions 1 to 7 of 17:

PreventionGenetics, part of Exact Sciences
Classification: Uncertain significance for ATP7B-related condition. Last evaluated: 2026-04-22. Review status: criteria provided, single submitter. Criteria: ACMG Guidelines, 2015. Collection method: clinical testing. Allele origin: germline.
Comment: The ATP7B c.19_20delCA variant is predicted to result in a frameshift and premature protein termination (p.Gln7Aspfs*14). This variant has been reported in the heterozygous and compound heterozygous state in three individuals with Wilson disease (Vrabelova et al. 2005. PubMed ID: 15967699, Collins et al. 2021. PubMed ID: 33640437, Lorente-Arencibia et al. 2022. PubMed ID: 34620762). Of note, this variant was also detected in the compound heterozygous state in an asymptomatic adult patient (Loudianos et al. 2016. PubMed ID: 26752957) and in the homozygous state in an asymptomatic adolescent patient (Stalke et al. 2019. PubMed ID: 30723317). Additional functionnal studies showed that this variant bypasses nonsense-mediated mRNA decay and protein function is similar to wild-type (Stalke et al. 2019. PubMed ID: 30723317). This variant is reported in 0.048% of alleles in individuals of Ashkenazi Jewish descent in gnomAD. At this time, the clinical significance of this variant is uncertain due to the absence of conclusive functional and genetic evidence.

Women's Health and Genetics/Laboratory Corporation of America, LabCorp
Classification: Likely pathogenic for Wilson disease. Last evaluated: 2026-03-23. Review status: criteria provided, single submitter. Criteria: LabCorp Variant Classification Summary - May 2015. Collection method: clinical testing. Allele origin: germline.
Comment: Variant summary: ATP7B c.19_20delCA (p.Gln7AspfsX14) results in a premature termination codon, predicted to cause a truncation of the encoded protein or absence of the protein due to nonsense mediated decay, which are commonly known mechanisms for disease. Truncations downstream of this position have been classified as pathogenic by our laboratory. However, in vitro functional studies (Stalke_2019) found the variant mRNA and protein are expressed in size and amount comparable to wild-type while copper export capacity was also comparable to wild-type; these results indicate that c.19_20del in ATP7B is likely able to bypass NMD by translation reinitiation. The variant allele was found at a frequency of 0.00015 in 249432 control chromosomes. This frequency is not significantly higher than estimated for disease-causing variants in ATP7B, allowing no conclusion about variant significance. c.19_20delCA has been observed in the compound heterozygous state in individuals affected with Wilson Disease (e.g. Loudianos_2016, Collins_2021, internal data), including at least 1 individual who carried a pathogenic variant in trans. However, other individuals reported in the literature had limited information (i.e. second allele not reported/specified; Vrabelova_2005) or inconsistent phenotypic presentation within the same family for 2 genotypically identical siblings (e.g. Nicastro_2021). In addition, unaffected compound heterozygous or homozygous individuals have also been reported (Loudianos_2016, Stalke_2019, Nicastro_2021), however we note that ATP7B-related conditions have uncertain penetrance and variable onset. Thus, these reports suggest pathogenicity but do not provide unequivocal conclusions about association of the variant with Wilson Disease. The following publications have been ascertained in the context of this evaluation (PMID: 18371106, 15967699, 26752957, 23486543, 29649982, 30723317, 33640437, 37205945). ClinVar contains an entry for this variant (Variation ID: 419611). Based on the evidence outlined above, the variant was classified as likely pathogenic with the possibility of being hypomorphic and/or low penetrance.

Labcorp Genetics (formerly Invitae), Labcorp
Classification: Pathogenic for Wilson disease. Last evaluated: 2026-01-24. Review status: criteria provided, single submitter. Criteria: Invitae Variant Classification Sherloc (09022015). Collection method: clinical testing. Allele origin: germline.
Comment: This sequence change creates a premature translational stop signal (p.Gln7Aspfs*14) in the ATP7B gene. It is expected to result in an absent or disrupted protein product. Loss-of-function variants in ATP7B are known to be pathogenic (PMID: 10441329, 16283883). This variant is present in population databases (rs749363958, gnomAD 0.05%). This premature translational stop signal has been observed in individual(s) with Wilson disease (PMID: 15967699). ClinVar contains an entry for this variant (Variation ID: 419611). For these reasons, this variant has been classified as Pathogenic.

Color Diagnostics, LLC DBA Color Health
Classification: Uncertain significance for Wilson disease. Last evaluated: 2025-08-19. Review status: criteria provided, single submitter. Criteria: ACMG Guidelines, 2015. Collection method: clinical testing. Allele origin: germline.
Comment: This variant deletes 2 nucleotides in exon 1 of the ATP7B gene, creating a frameshift and premature translation stop signal. While this variant is expected to result in nonsense-mediated mRNA decay, clinical findings and functional study results indicate that the effect of this variant appears to be mitigated, presumably by an alternate translation initiation. When a minigene construct carrying this variant was overexpressed in HEK293T cells, it resulted in ATP7B mRNA and protein expression comparable to wild-type in size and amount, as well as normal copper export capacity (PMID: 30723317). This variant has also been reported in an asymptomatic adult in compound heterozygous state with a known pathogenic variant in the same gene (PMID: 26752957). These observations indicate that the predicted loss of ATP7B function due to this variant can be bypassed, presumably by alternate translation initiation using a downstream methionine. This variant has been reported in additional individuals affected with Wilson disease with unspecified second mutation (PMID: 15967699, 34620762). This variant has been identified in 39/280828 chromosomes in the general population by the Genome Aggregation Database (gnomAD). The available evidence is insufficient to determine the role of this variant in disease conclusively. Therefore, this variant is classified as a Variant of Uncertain Significance.

All of Us Research Program, National Institutes of Health
Classification: Uncertain significance for Wilson disease. Last evaluated: 2024-09-23. Review status: criteria provided, single submitter. Criteria: ACMG Guidelines, 2015. Collection method: clinical testing. Allele origin: germline. Inheritance: Autosomal recessive inheritance. Observed: 53 variant alleles, 53 heterozygotes.
Comment: This variant deletes 2 nucleotides in exon 1 of the ATP7B gene, creating a frameshift and premature translation stop signal. While this variant is expected to result in nonsense-mediated mRNA decay, clinical findings and functional study results indicate that the effect of this variant appears to be mitigated, presumably by an alternate translation initiation. When a minigene construct carrying this variant was overexpressed in HEK293T cells, it resulted in ATP7B mRNA and protein expression comparable to wild-type in size and amount, as well as normal copper export capacity (PMID: 30723317). This variant has also been reported in an asymptomatic adult in compound heterozygous state with a known pathogenic variant in the same gene (PMID: 26752957). These observations indicate that the predicted loss of ATP7B function due to this variant can be bypassed, presumably by alternate translation initiation using a downstream methionine. This variant has been reported in additional individuals affected with Wilson disease with unspecified second mutation (PMID: 15967699, 34620762). This variant has been identified in 39/280828 chromosomes in the general population by the Genome Aggregation Database (gnomAD). The available evidence is insufficient to determine the role of this variant in disease conclusively. Therefore, this variant is classified as a Variant of Uncertain Significance.

This study involves interpretation of variants in research participants for the purpose of population health screening. Participant phenotype was not available at the time of variant classification. Additional details can be found in publication PMID: 35346344, PMCID: PMC8962531

GeneDx
Classification: Uncertain significance. Last evaluated: 2024-09-20. Review status: criteria provided, single submitter. Criteria: GeneDx Variant Classification Process June 2021. Collection method: clinical testing. Allele origin: germline. Affected: yes.
Comment: Expression of mRNA in liver cells of a patient homozygous for the variant was in the range of healthy controls and in-vitro expression assays found mRNA and protein levels comparable to wild type, suggesting that the variant may bypass nonsense-mediated mRNA decay (NMD) allowing normal copper export (PMID: 30723317); This variant is associated with the following publications: (PMID: 18371106, 29649982, 31169307, 23486543, 30291343, 31980526, 26752957, 15967699, 30723317, 36437915, 34620762, 30476936)

Blueprint Genetics
Classification: Uncertain significance. Last evaluated: 2024-07-16. Review status: criteria provided, single submitter. Criteria: ACMG Guidelines, 2015. Collection method: clinical testing. Allele origin: germline.